The following is an entry in ClinVar:

ClinVar aggregate classification (germline): Uncertain significance. Review status: criteria provided, multiple submitters, no conflicts (2 of 4 stars). 2 submissions from 2 submitters: Uncertain significance (2). Last evaluated 2024-03-24.

Conditions:
Arrhythmogenic right ventricular dysplasia 9 (ARVD9). Also called: ARRHYTHMOGENIC RIGHT VENTRICULAR DYSPLASIA, FAMILIAL, 9; Arrhythmogenic Right Ventricular Dysplasia/Cardiomyopathy 9. Identifiers: MedGen C1836906, MONDO:0012180, OMIM 609040.
Cardiovascular phenotype. Identifiers: MedGen CN230736.

Allele frequency attached by ClinVar (database versions not stated): gnomAD 0.00001; TOPMed 0.00002.
gnomAD v4.1: 2 of 1,613,540 alleles (0.00012%); highest among the groups gnomAD compares: African/African-American, 0.0027%; no homozygotes.

Submissions (2):

Labcorp Genetics (formerly Invitae), Labcorp
Classification: Uncertain significance for Arrhythmogenic right ventricular dysplasia 9. Last evaluated: 2024-03-24. Review status: criteria provided, single submitter. Criteria: Invitae Variant Classification Sherloc (09022015). Collection method: clinical testing. Allele origin: germline.
Comment: This sequence change replaces leucine, which is neutral and non-polar, with valine, which is neutral and non-polar, at codon 518 of the PKP2 protein (p.Leu518Val). This variant is not present in population databases (gnomAD no frequency). This variant has not been reported in the literature in individuals affected with PKP2-related conditions. An algorithm developed to predict the effect of missense changes on protein structure and function (PolyPhen-2) suggests that this variant is likely to be disruptive. In summary, the available evidence is currently insufficient to determine the role of this variant in disease. Therefore, it has been classified as a Variant of Uncertain Significance.

Ambry Genetics
Classification: Uncertain significance for Cardiovascular phenotype. Last evaluated: 2023-10-26. Review status: criteria provided, single submitter. Criteria: Ambry Variant Classification Scheme 2023. Collection method: clinical testing. Allele origin: germline.
Comment: The p.L518V variant (also known as c.1552C>G), located in coding exon 7 of the PKP2 gene, results from a C to G substitution at nucleotide position 1552. The leucine at codon 518 is replaced by valine, an amino acid with highly similar properties. This amino acid position is conserved. In addition, this alteration is predicted to be tolerated by in silico analysis. Since supporting evidence is limited at this time, the clinical significance of this alteration remains unclear.

NM_001005242.3(PKP2):c.1420C>G (p.Leu474Val)

Gene: PKP2 (plakophilin 2; minus strand). Cytogenetic location: 12p11.21.
Variant type: single nucleotide variant.
Coding change: c.1420C>G on transcript NM_001005242.3 (MANE Select); coding-DNA position 1420, C replaced by G.
Protein change: p.Leu474Val; replaces leucine 474 with valine.
Molecular consequence: missense variant.
Genome position (GRCh38, 1-based): chr12:32,841,164, G>C on the plus strand (C>G on the coding strand, the complement: PKP2 is on the minus strand). VCF-style: chr12-32841164-G-C. GRCh37 (hg19) VCF-style: chr12-32994098-G-C.
Other names: c.1420C>G, p.Leu474Val (NM_001407155.1, NM_001407156.1, NM_001407161.1); c.1552C>G, p.Leu518Val (NM_001407157.1, NM_004572.4); c.1093C>G, p.Leu365Val (NM_001407158.1, NM_001407159.1, NM_001407160.1 and 1 more transcripts); short protein forms L365V, L474V, L518V.
Identifiers: ClinVar variation 3224317 (VCV003224317.3), dbSNP rs879168083, ClinGen allele CA235249167.